The following is an entry in ClinVar:

NM_000363.5(TNNI3):c.233C>T (p.Thr78Ile)

Gene: TNNI3 (troponin I3, cardiac type; minus strand). Cytogenetic location: 19q13.42.
Variant type: single nucleotide variant.
Coding change: c.233C>T on transcript NM_000363.5 (MANE Select); coding-DNA position 233, C replaced by T.
Protein change: p.Thr78Ile; replaces threonine 78 with isoleucine.
Molecular consequence: missense variant.
Genome position (GRCh38, 1-based): chr19:55,156,250, G>A on the plus strand (C>T on the coding strand, the complement: TNNI3 is on the minus strand). VCF-style: chr19-55156250-G-A. GRCh37 (hg19) VCF-style: chr19-55667618-G-A.
Other names: short protein forms T78I.
Identifiers: ClinVar variation 229331 (VCV000229331.7), dbSNP rs786205288, ClinGen allele CA10577116.
Genomic context (GRCh38, chr19:55,156,250, plus strand): 5'-GGAGCCGGTACCTGCAGCTCCGCGAAGCCCAGCCCGGCCAACTCCAGCGGCTGGCAGCGG[G>A]TGCTCAGAGCGCGCCCCTTCTCTCCGCGCCGCTCCTCCGCCTCTCGCTCCAGCTCTTGCT-3'
Protein context (NP_000354.4, residues 68-88): RRGEKGRALS[Thr78Ile]RCQPLELAGL

ClinVar aggregate classification (germline): Uncertain significance. Review status: criteria provided, multiple submitters, no conflicts (2 of 4 stars). 2 submissions from 2 submitters: Uncertain significance (2). Last evaluated 2023-03-28.

Conditions:
Cardiomyopathy (CMYO). Also called: Cardiomyopathies. Identifiers: Orphanet 167848, MedGen C0878544, MONDO:0004994, HP:0001638. Inheritance: Various modes of inheritance.

Allele frequency attached by ClinVar (database versions not stated): gnomAD exomes 0.00001.
gnomAD v4.1: 10 of 1,612,344 alleles (0.00062%); highest among the groups gnomAD compares: South Asian, 0.0088%; no homozygotes.

Submissions (2):

Color Diagnostics, LLC DBA Color Health
Classification: Uncertain significance for Cardiomyopathy. Last evaluated: 2023-03-28. Review status: criteria provided, single submitter. Criteria: ACMG Guidelines, 2015. Collection method: clinical testing. Allele origin: germline.
Comment: This missense variant replaces threonine with isoleucine at codon 78 of the TNNI3 protein. Computational prediction suggests that this variant may not impact protein structure and function (internally defined REVEL score threshold <= 0.5, PMID: 27666373). To our knowledge, functional studies have not been reported for this variant. This variant has not been reported in individuals affected with TNNI3-related disorders in the literature. This variant has been identified in 2/240612 chromosomes in the general population by the Genome Aggregation Database (gnomAD). The available evidence is insufficient to determine the role of this variant in disease conclusively. Therefore, this variant is classified as a Variant of Uncertain Significance.

Laboratory for Molecular Medicine, Mass General Brigham Personalized Medicine
Classification: Uncertain significance. Last evaluated: 2015-11-09. Review status: criteria provided, single submitter. Criteria: LMM Criteria. Collection method: clinical testing. Allele origin: germline. Observed: 1 variant allele.
Comment: The p.Thr78Ile variant in TNNI3 has not been previously reported in individuals with cardiomyopathy. Data from large population studies is insufficient to asses s the frequency of this variant. Computational prediction tools and conservation analysis do not provide strong support for or against an impact to the protein. In summary, the clinical significance of the p.Thr78Ile variant is uncertain.